The following is an entry in ClinVar:

ClinVar aggregate classification (germline): Uncertain significance. Review status: criteria provided, multiple submitters, no conflicts (2 of 4 stars). 5 submissions from 5 submitters: Uncertain significance (5). Last evaluated 2026-07-08.

Conditions:
OTOA-related disorder. Also called: OTOA-related condition.
Inborn genetic diseases. Identifiers: MedGen C0950123, MeSH D030342.

Allele frequency attached by ClinVar (database versions not stated): ESP Exome Variant Server 0.00015; 1000 Genomes Project 0.00040; 1000 Genomes Project 30x 0.00047.
gnomAD v4.1: 195 of 1,613,852 alleles (0.012%); highest among the groups gnomAD compares: South Asian, 0.045%; 1 homozygote.

Submissions (5):

PreventionGenetics, part of Exact Sciences
Classification: Uncertain significance for OTOA-related condition. Last evaluated: 2026-07-08. Review status: criteria provided, single submitter. Criteria: ACMG Guidelines, 2015. Collection method: clinical testing. Allele origin: germline.
Comment: The OTOA c.194C>T variant is predicted to result in the amino acid substitution p.Thr65Met. To our knowledge, this variant has not been reported in the literature. This variant is reported in 0.062% of alleles in individuals of South Asian descent in gnomAD. At this time, the clinical significance of this variant is uncertain due to the absence of conclusive functional and genetic evidence.

Ambry Genetics
Classification: Uncertain significance for Inborn genetic diseases. Last evaluated: 2025-03-01. Review status: criteria provided, single submitter. Criteria: Ambry Variant Classification Scheme 2023. Collection method: clinical testing. Allele origin: germline.

GeneDx
Classification: Uncertain significance. Last evaluated: 2025-02-13. Review status: criteria provided, single submitter. Criteria: GeneDx Variant Classification Process June 2021. Collection method: clinical testing. Allele origin: germline.
Comment: In silico analysis indicates that this missense variant does not alter protein structure/function; Has not been previously published as pathogenic or benign to our knowledge

Blueprint Genetics
Classification: Uncertain significance. Last evaluated: 2024-09-13. Review status: criteria provided, single submitter. Criteria: ACMG Guidelines, 2015. Collection method: clinical testing. Allele origin: germline.

Labcorp Genetics (formerly Invitae), Labcorp
Classification: Uncertain significance. Last evaluated: 2022-03-22. Review status: criteria provided, single submitter. Criteria: Invitae Variant Classification Sherloc (09022015). Collection method: clinical testing. Allele origin: germline.
Comment: This sequence change replaces threonine, which is neutral and polar, with methionine, which is neutral and non-polar, at codon 65 of the OTOA protein (p.Thr65Met). This variant is present in population databases (rs140152105, gnomAD 0.06%). This variant has not been reported in the literature in individuals affected with OTOA-related conditions. Algorithms developed to predict the effect of missense changes on protein structure and function are either unavailable or do not agree on the potential impact of this missense change (SIFT: "Deleterious"; PolyPhen-2: "Probably Damaging"; Align-GVGD: "Class C15"). In summary, the available evidence is currently insufficient to determine the role of this variant in disease. Therefore, it has been classified as a Variant of Uncertain Significance.

NM_144672.4(OTOA):c.194C>T (p.Thr65Met)

Gene: OTOA (otoancorin). Cytogenetic location: 16p12.2.
Variant type: single nucleotide variant.
Coding change: c.194C>T on transcript NM_144672.4 (MANE Select); coding-DNA position 194, C replaced by T.
Protein change: p.Thr65Met; replaces threonine 65 with methionine.
Molecular consequence: missense variant.
Genome position (GRCh38, 1-based): chr16:21,681,752, C>T. VCF-style: chr16-21681752-C-T. GRCh37 (hg19) VCF-style: chr16-21693073-C-T.
Other names: c.194C>T (NM_144672.3); short protein forms T65M.
Identifiers: ClinVar variation 2179062 (VCV002179062.7), dbSNP rs140152105, ClinGen allele CA7952224.